The following is an entry in ClinVar:

NM_000381.4(MID1):c.1141+1G>A

Gene: MID1 (midline 1; minus strand). Cytogenetic location: Xp22.2.
Variant type: single nucleotide variant.
Coding change: c.1141+1G>A on transcript NM_000381.4 (MANE Select); the canonical splice donor site of the intron after coding-DNA position 1141, G replaced by A.
Molecular consequence: splice donor variant.
Genome position (GRCh38, 1-based): chrX:10,474,622, C>T on the plus strand (G>A on the coding strand, the complement: MID1 is on the minus strand). VCF-style: chrX-10474622-C-T. GRCh37 (hg19) VCF-style: chrX-10442662-C-T.
Other names: c.1141+1G>A (NM_001098624.2, NM_001347733.2, NM_001193277.1 and 2 more transcripts); c.1027+1G>A (NM_033289.2, NM_001193280.1); c.1294+1G>A (NM_001193278.1).
Identifiers: ClinVar variation 4871703 (VCV004871703.1).
Genomic context (GRCh38, chrX:10,474,622, plus strand): 5'-GTGGCAAAGTGTTTATATCACTAAGTGTGCACAATATTAAAGAGAACATAAAAGACAATA[C>T]CTGTAAGGTAATCCAGACATTCTAGCAGTTTCTTCTCTCGGGAAAAATCTAAGGCAAAGG-3'

ClinVar aggregate classification (germline): Pathogenic (1 of 4 stars; one submission).

Conditions:
X-linked Opitz G/BBB syndrome (GBBB). Also called: Opitz-Frias syndrome; MID1-Related Opitz G/BBB Syndrome; OPITZ BBBG SYNDROME, TYPE I; OPITZ SYNDROME, X-LINKED; OPITZ-G SYNDROME, TYPE I. Identifiers: Orphanet 2745, MedGen C2936904, MONDO:0010222, OMIM 300000.

Submission:

Centro Nacional de Genética Medica, Administración Nacional de Laboratorios e Institutos de Salud (ANLIS) “Dr. Carlos G Malbrán”
Classification: Pathogenic for X-linked Opitz G/BBB syndrome. Last evaluated: 2024-11-10. Review status: criteria provided, single submitter. Criteria: ACMG Guidelines, 2015. Collection method: clinical testing. Allele origin: germline. Affected: yes. Observed: 1 variant allele.
Comment: The nucleotide variant c.1141+1G>A was found in hemizygosity at the splice donor site between exons 6-7/10 of the canonical transcript NM_000381.4 of the MID1 gene. This variant causes a frameshift and the appearance of a premature translation stop codon. Such variants generally result in the deletion of messenger RNA through nonsense-mediated decay (NMD) (PMID: 16757948;17352659). The gene is haploinsufficient, and as a consequence of this variant, there would be no translation and, therefore, a lack of protein (PVS1). Loss-of-function variants are known to be a frequent cause of pathogenicity in this gene (46 pathogenic null variants reported in ClinVar). The variant found is not present in population databases such as GnomAD, ExAc or 1000 Genomes (PM2_Supporting). The patient's phenotype is consistent with Opitz Syndrome and the MID1 gene is closely related to the pathology (PP4). Based on the above and following the international rules of the American College of Medical Genetics (ACMG), the variant identified in heterozygosity in the MID1 gene, c.1141+1G>A, is classified as a Pathogenic variant (PVS1, PM2_supporting, PP4).

Literature cited by the submitters: PubMed 16757948; PubMed 17352659.